The following is an entry in ClinVar:

ClinVar aggregate classification (germline): Uncertain significance (1 of 4 stars; one submission).

Conditions:
Neuroblastoma, susceptibility to, 3. Also called: ALK-Related Neuroblastic Tumor Susceptibility. Identifiers: Orphanet 635, MedGen C2751681, MONDO:0013083, OMIM 613014.

Submission:

Labcorp Genetics (formerly Invitae), Labcorp
Classification: Uncertain significance for Neuroblastoma, susceptibility to, 3. Last evaluated: 2023-01-13. Review status: criteria provided, single submitter. Criteria: Invitae Variant Classification Sherloc (09022015). Collection method: clinical testing. Allele origin: germline.
Comment: In summary, the available evidence is currently insufficient to determine the role of this variant in disease. Therefore, it has been classified as a Variant of Uncertain Significance. Algorithms developed to predict the effect of missense changes on protein structure and function (SIFT, PolyPhen-2, Align-GVGD) all suggest that this variant is likely to be disruptive. This variant has not been reported in the literature in individuals affected with ALK-related conditions. This variant is not present in population databases (gnomAD no frequency). This sequence change replaces glutamine, which is neutral and polar, with arginine, which is basic and polar, at codon 1217 of the ALK protein (p.Gln1217Arg).

NM_004304.5(ALK):c.3650A>G (p.Gln1217Arg)

Gene: ALK (ALK receptor tyrosine kinase; minus strand). Cytogenetic location: 2p23.2.
Variant type: single nucleotide variant.
Coding change: c.3650A>G on transcript NM_004304.5 (MANE Select); coding-DNA position 3650, A replaced by G.
Protein change: p.Gln1217Arg; replaces glutamine 1217 with arginine.
Molecular consequence: missense variant.
Genome position (GRCh38, 1-based): chr2:29,214,077, T>C on the plus strand (A>G on the coding strand, the complement: ALK is on the minus strand). VCF-style: chr2-29214077-T-C. GRCh37 (hg19) VCF-style: chr2-29436943-T-C.
Other names: c.446A>G, p.Gln149Arg (NM_001353765.2); short protein forms Q1217R, Q149R.
Identifiers: ClinVar variation 2818217 (VCV002818217.3), dbSNP rs2465923151, ClinGen allele CA346471674.